The following is an entry in ClinVar:

ClinVar aggregate classification (germline): Uncertain significance. Review status: criteria provided, single submitter (1 of 4 stars). 2 submissions from 2 submitters: Uncertain significance (1). 1 of the submissions does not count toward it. Last evaluated 2021-08-31.

Conditions:
Spastic paraplegia 91, autosomal dominant, with or without cerebellar ataxia (SPG91). Identifiers: MedGen C5882701, MONDO:0957813, OMIM 620538.
Developmental and epileptic encephalopathy. Identifiers: MedGen C5779964, MONDO:0100620.

Allele frequency attached by ClinVar (database versions not stated): gnomAD exomes below 0.00001; gnomAD 0.00001; TOPMed 0.00001.
gnomAD v4.1: 3 of 1,614,004 alleles (0.00019%); highest among the groups gnomAD compares: African/African-American, 0.004%; no homozygotes.

Submissions (2):

Labcorp Genetics (formerly Invitae), Labcorp
Classification: Uncertain significance for Early-infantile DEE. Last evaluated: 2021-08-31. Review status: criteria provided, single submitter. Criteria: Invitae Variant Classification Sherloc (09022015). Collection method: clinical testing. Allele origin: germline.

Hong-Tao Li Lab, Institute of Brain Science and Brain-inspired Research, Shandong First Medical University & Shandong Academy of Medical Sciences China
Classification: Uncertain significance for Spastic paraplegia 91, autosomal dominant, with or without cerebellar ataxia. Review status: no assertion criteria provided. Collection method: research. Allele origin: germline. Inheritance: Autosomal dominant inheritance. Affected: yes. Observed: 1 variant allele, 1 heterozygote. Not counted in ClinVar's aggregate classification.
Comment: Observed in affected individuals from a Pakistani neurodevelopmental-disorder research cohort of 263 individuals. Classification assigned using the ACMG/AMP framework. Population-frequency evidence: gnomAD AF 3.981e-06.

NM_001130438.3(SPTAN1):c.7343C>T (p.Ser2448Phe)

Gene: SPTAN1 (spectrin alpha, non-erythrocytic 1; plus strand). Cytogenetic location: 9q34.11.
Variant type: single nucleotide variant.
Coding change: c.7343C>T on transcript NM_001130438.3 (MANE Select); coding-DNA position 7343, C replaced by T.
Protein change: p.Ser2448Phe; replaces serine 2448 with phenylalanine.
Molecular consequence: missense variant.
Genome position (GRCh38, 1-based): chr9:128,633,243, C>T. VCF-style: chr9-128633243-C-T. GRCh37 (hg19) VCF-style: chr9-131395522-C-T.
Other names: c.7268C>T, p.Ser2423Phe (NM_001195532.2); c.7406C>T, p.Ser2469Phe (NM_001363759.2); c.7283C>T, p.Ser2428Phe (NM_001363765.2, NM_001375314.2); c.7430C>T, p.Ser2477Phe (NM_001375310.1); c.7343C>T, p.Ser2448Phe (NM_001375311.2); c.7379C>T, p.Ser2460Phe (NM_001375312.2); c.7325C>T, p.Ser2442Phe (NM_001375313.1); c.7442C>T, p.Ser2481Phe (NM_001375318.1); and 1 more; short protein forms S2448F, S2469F, S2428F, S2442F, S2481F, S2423F, S2443F, S2460F.
Identifiers: ClinVar variation 961109 (VCV000961109.7), dbSNP rs1248425869, ClinGen allele CA375103519.